The following is an entry in ClinVar:

ClinVar aggregate classification (germline): Uncertain significance (1 of 4 stars; one submission).

Conditions:
Hereditary cancer-predisposing syndrome. Also called: Neoplastic Syndromes, Hereditary; Hereditary Cancer Syndrome; Tumor predisposition; Hereditary neoplastic syndrome. Identifiers: Orphanet 140162, MedGen C0027672, MeSH D009386, MONDO:0015356.

gnomAD v4.1: 1 of 1,612,568 alleles (0.000062%); highest among the groups gnomAD compares: East Asian, 0.0022%; no homozygotes.

Submission:

Ambry Genetics
Classification: Uncertain significance for Hereditary cancer-predisposing syndrome. Last evaluated: 2024-12-29. Review status: criteria provided, single submitter. Criteria: Ambry Variant Classification Scheme 2023. Collection method: clinical testing. Allele origin: germline.
Comment: The p.K694R variant (also known as c.2081A>G), located in coding exon 19 of the POLE gene, results from an A to G substitution at nucleotide position 2081. The lysine at codon 694 is replaced by arginine, an amino acid with highly similar properties. This amino acid position is conserved. In addition, this alteration is predicted to be tolerated by in silico analysis. Based on the available evidence, the clinical significance of this variant remains unclear.

NM_006231.4(POLE):c.2081A>G (p.Lys694Arg)

Gene: POLE (DNA polymerase epsilon, catalytic subunit; minus strand). Cytogenetic location: 12q24.33.
Variant type: single nucleotide variant.
Coding change: c.2081A>G on transcript NM_006231.4 (MANE Select); coding-DNA position 2081, A replaced by G.
Protein change: p.Lys694Arg; replaces lysine 694 with arginine.
Molecular consequence: missense variant.
Genome position (GRCh38, 1-based): chr12:132,668,448, T>C on the plus strand (A>G on the coding strand, the complement: POLE is on the minus strand). VCF-style: chr12-132668448-T-C. GRCh37 (hg19) VCF-style: chr12-133245034-T-C.
Other names: short protein forms K694R.
Identifiers: ClinVar variation 3781542 (VCV003781542.1).